The following is an entry in ClinVar:

ClinVar aggregate classification (germline): Uncertain significance (1 of 4 stars; one submission).

gnomAD v4.1: 1 of 1,614,180 alleles (0.000062%); highest among the groups gnomAD compares: Admixed American, 0.0017%; no homozygotes.

Submission:

Labcorp Genetics (formerly Invitae), Labcorp
Classification: Uncertain significance. Last evaluated: 2025-05-09. Review status: criteria provided, single submitter. Criteria: Invitae Variant Classification Sherloc (09022015). Collection method: clinical testing. Allele origin: germline.
Comment: This sequence change creates a premature translational stop signal (p.Leu26*) in the LYZ gene. It is expected to result in an absent or disrupted protein product. However, the current clinical and genetic evidence is not sufficient to establish whether loss-of-function variants in LYZ cause disease. This variant is present in population databases (no rsID available, gnomAD 0.003%). This variant has not been reported in the literature in individuals affected with LYZ-related conditions. ClinVar contains an entry for this variant (Variation ID: 3727535). In summary, the available evidence is currently insufficient to determine the role of this variant in disease. Therefore, it has been classified as a Variant of Uncertain Significance.

NM_000239.3(LYZ):c.77T>A (p.Leu26Ter)

Gene: LYZ (lysozyme; plus strand). Cytogenetic location: 12q15.
Variant type: single nucleotide variant.
Coding change: c.77T>A on transcript NM_000239.3 (MANE Select); coding-DNA position 77, T replaced by A.
Protein change: p.Leu26Ter; replaces leucine 26 with a stop codon.
Molecular consequence: nonsense.
Genome position (GRCh38, 1-based): chr12:69,348,485, T>A. VCF-style: chr12-69348485-T-A. GRCh37 (hg19) VCF-style: chr12-69742265-T-A.
Other names: short protein forms L26*.
Identifiers: ClinVar variation 3727535 (VCV003727535.2).